The following is an entry in ClinVar:

NM_001365276.2(TNXB):c.7111C>G (p.Leu2371Val)

Gene: TNXB (tenascin XB; minus strand). Cytogenetic location: 6p21.33.
Variant type: single nucleotide variant.
Coding change: c.7111C>G on transcript NM_001365276.2 (MANE Select); coding-DNA position 7111, C replaced by G.
Protein change: p.Leu2371Val; replaces leucine 2371 with valine.
Molecular consequence: missense variant.
Genome position (GRCh38, 1-based): chr6:32,062,214, G>C on the plus strand (C>G on the coding strand, the complement: TNXB is on the minus strand). VCF-style: chr6-32062214-G-C. GRCh37 (hg19) VCF-style: chr6-32029991-G-C.
Other names: c.7111C>G, p.Leu2371Val (NM_019105.8); short protein forms L2371V.
Identifiers: ClinVar variation 2586109 (VCV002586109.2), dbSNP rs534213145, ClinGen allele CA363553729.

ClinVar aggregate classification (germline): Uncertain significance (1 of 4 stars; one submission).

Conditions:
Cardiovascular phenotype. Identifiers: MedGen CN230736.

Submission:

Ambry Genetics
Classification: Uncertain significance for Cardiovascular phenotype. Last evaluated: 2023-06-22. Review status: criteria provided, single submitter. Criteria: Ambry Variant Classification Scheme 2023. Collection method: clinical testing. Allele origin: germline.
Comment: The p.L2371V variant (also known as c.7111C>G), located in coding exon 19 of the TNXB gene, results from a C to G substitution at nucleotide position 7111. The leucine at codon 2371 is replaced by valine, an amino acid with highly similar properties. This amino acid position is conserved. In addition, this alteration is predicted to be tolerated by in silico analysis. Since supporting evidence is limited at this time, the clinical significance of this alteration remains unclear.